The following is an entry in ClinVar:

ClinVar aggregate classification (germline): Conflicting classifications of pathogenicity. Review status: criteria provided, conflicting classifications (1 of 4 stars). 9 submissions from 9 submitters: Pathogenic (2); Likely pathogenic (4); Uncertain significance (2). 1 of the submissions does not count toward it. Last evaluated 2025-01-28.

Conditions:
DeSanto-Shinawi syndrome due to WAC point mutation (DESSH). Also called: Facial dysmorphism-developmental delay-behavioral abnormalities syndrome due to WAC point mutation; WAC-Related Intellectual Disability; DEVELOPMENTAL DELAY, BEHAVIORAL ABNORMALITIES, FACIAL DYSMORPHISM, AND OCULAR ABNORMALITIES. Identifiers: Orphanet 284169, Orphanet 466950, MedGen C5681129, MONDO:0014741, OMIM 616708.

Submissions (9):

Dasa
Classification: Likely pathogenic. Last evaluated: 2025-01-28. Review status: criteria provided, single submitter. Criteria: DASA Assertion Criteria. Collection method: clinical testing. Allele origin: germline.
Comment: NM_016628.5(WAC):c.381+4_381+7del is a splice-region variant predicted to affect normal RNA splicing. This variant has been reported in individuals with WAC-related disorders (PMID: 35018708). This variant has been reported as a de novo occurrence in an affected individual (PMID: 35018708). Also, this variant is absent from population databases. Computational evidence supports a deleterious effect. Based on the currently available evidence, this variant is classified as likely pathogenic.

Department of Genetics, Rouen University Hospital, Normandy Center for Genomic and Personalized Medicine
Classification: Pathogenic for DeSanto-Shinawi syndrome due to WAC point mutation. Last evaluated: 2024-08-12. Review status: criteria provided, single submitter. Criteria: ACMG Guidelines, 2015. Collection method: clinical testing. Allele origin: de novo. Affected: yes.

GeneDx
Classification: Pathogenic. Last evaluated: 2024-07-23. Review status: criteria provided, single submitter. Criteria: GeneDx Variant Classification Process June 2021. Collection method: clinical testing. Allele origin: germline.
Comment: Non-canonical splice site variant demonstrated to result in loss of function (PMID: 35018708); Not observed at significant frequency in large population cohorts (gnomAD); This variant is associated with the following publications: (PMID: 33057194, 35982159, 35018708)

Institute of Human Genetics, Clinical Exome/Genome Diagnostics Group, University Hospital Bonn
Classification: Likely pathogenic for DeSanto-Shinawi syndrome due to WAC point mutation. Last evaluated: 2023-03-03. Review status: criteria provided, single submitter. Criteria: ACMG Guidelines, 2015. Collection method: clinical testing. Allele origin: germline. Affected: yes.

Institute of Human Genetics, University of Leipzig Medical Center
Classification: Uncertain significance for DeSanto-Shinawi syndrome due to WAC point mutation. Last evaluated: 2020-01-09. Review status: criteria provided, single submitter. Criteria: ACMG Guidelines, 2015. Collection method: clinical testing. Allele origin: de novo. Affected: yes. Observed: 1 variant allele.
Comment: This variant was identified as de novo (maternity and paternity confirmed).

Laboratory of Molecular Genetics (Pr. Bezieau's lab), CHU de Nantes
Classification: Uncertain significance. Last evaluated: 2018-06-06. Review status: criteria provided, single submitter. Criteria: ACMG Guidelines, 2015. Collection method: clinical testing. Allele origin: germline. Affected: yes.

Juno Genomics, Hangzhou Juno Genomics, Inc
Classification: Likely pathogenic for DeSanto-Shinawi syndrome due to WAC point mutation. Review status: criteria provided, single submitter. Criteria: ACMG Guidelines, 2015. Collection method: clinical testing. Allele origin: germline. Affected: yes.
Comment: Absent from controls (or at extremely low frequency if recessive) in Genome Aggregation Database.;The prevalence of the variant in affected individuals is significantly increased compared to the prevalence in controls.;Assumed de novo, but without confirmation of paternity and maternity.;Patient's phenotype or family history is highly specific for a disease with a single genetic etiology.;Null variant in a gene where loss of function (LOF) is a known mechanism of disease.

Laboratory of Medical Genetics Unit, Bambino Gesù Children's Hospital
Classification: Likely pathogenic for DeSanto-Shinawi syndrome due to WAC point mutation. Review status: criteria provided, single submitter. Criteria: ACMG Guidelines, 2015. Collection method: clinical testing. Allele origin: de novo. Inheritance: Autosomal dominant inheritance. Affected: yes.
Comment: This variant was identified as de novo. The variant involves the intronic +5 splice site and splice predictors support a deleterious effect. It can be classified as likely pathogenic.

Clinical Genomics Laboratory, Stanford Medicine
Classification: Uncertain significance for DeSanto-Shinawi syndrome due to WAC point mutation. Last evaluated: 2020-06-26. Review status: no assertion criteria provided. Collection method: clinical testing. Allele origin: germline. Inheritance: Autosomal dominant inheritance. Affected: yes. Not counted in ClinVar's aggregate classification.
Comment: This variant was absent from large population databases, including the Genome Aggregation Database. The c.381+4_381+7delAGTA variant occurs in the 5â€™ splice site of intron 4 and computational tools predict that this variant causes a loss of the splice site.However, the accuracy of these computational tools is limited. These data were assessed using the ACMG/AMP variant interpretation guidelines. In summary, the significance of the c.381+4_381+7delAGTA variant is uncertain.However, there is suspicion that this variant could be associated with disease due to it being identified de novo in this individual and the predicted impact to splicing. Additional information is needed to resolve the significance of this variant. [ACMG evidence codes used: PS2_Supporting;PM2; PP3]

Literature cited by the submitters: PubMed 35018708 (cited by Dasa).

NM_016628.5(WAC):c.381+4_381+7del

Gene: WAC (WW domain containing adaptor with coiled-coil; plus strand). Cytogenetic location: 10p12.1.
Variant type: Microsatellite.
Coding change: c.381+4_381+7del on transcript NM_016628.5 (MANE Select); bases 4 to 7 of the intron after coding-DNA position 381, 4 bases deleted (AGTA; older notation c.381+4_381+7delAGTA).
Molecular consequence: splice donor variant.
Genome position (GRCh38, 1-based): chr10:28,583,509-28,583,512, AGTA deleted; deleting any 4 consecutive bases within chr10:28,583,505-28,583,512 gives the same sequence; the c. name uses the placement nearest the transcript's 3' end. VCF-style (leftmost placement, unchanged base first): chr10-28583504-CAGTA-C. GRCh37 (hg19) VCF-style: chr10-28872433-CAGTA-C.
Other names: c.246+4_246+7del (NM_100264.3); c.381+4_381+7del (NM_100486.4); c.381+4_381+7delAGTA (NM_016628.4).
Identifiers: ClinVar variation 633580 (VCV000633580.10), dbSNP rs1564400647, ClinGen allele CA913189541.